The following is an entry in ClinVar:

NM_000138.5(FBN1):c.5671G>T (p.Asp1891Tyr)

Gene: FBN1 (fibrillin 1; minus strand). Cytogenetic location: 15q21.1.
Variant type: single nucleotide variant.
Coding change: c.5671G>T on transcript NM_000138.5 (MANE Select); coding-DNA position 5671, G replaced by T.
Protein change: p.Asp1891Tyr; replaces aspartic acid 1891 with tyrosine.
Molecular consequence: missense variant.
Genome position (GRCh38, 1-based): chr15:48,448,768, C>A on the plus strand (G>T on the coding strand, the complement: FBN1 is on the minus strand). VCF-style: chr15-48448768-C-A. GRCh37 (hg19) VCF-style: chr15-48740965-C-A.
Other names: c.5671G>T, p.Asp1891Tyr (NM_001406716.1); short protein forms D1891Y.
Identifiers: ClinVar variation 2014899 (VCV002014899.4), dbSNP rs193922216, ClinGen allele CA392341633.
Genomic context (GRCh38, chr15:48,448,768, plus strand): 5'-TTAGAATCAAATGAAGCTTTCAACAGCATATGAAAAAAATAATAATAATTGCATACTTAC[C>A]CAAGCACATGGTTTGGTCATCATTTGTTTTAAAACCAGTGTGGCAAAGGCAATAAAAGCT-3'
Protein context (NP_000129.3, residues 1881-1901): KTNDDQTMCL[Asp1891Tyr]INECERDACG

ClinVar aggregate classification (germline): Likely pathogenic (1 of 4 stars; one submission).

Conditions:
Familial thoracic aortic aneurysm and aortic dissection (TAAD). Also called: Thoracic aortic aneurysms and dissections. Identifiers: Orphanet 91387, MedGen C4707243, MONDO:0019625.
Marfan syndrome (MFS). Also called: MARFAN SYNDROME, TYPE I; Marfan syndrome type 1; Marfan's syndrome; Marfan syndrome, classic; FBN1-Related Marfan Syndrome. Identifiers: Orphanet 284963, Orphanet 558, MedGen C0024796, MONDO:0007947, OMIM 154700.

Submission:

Labcorp Genetics (formerly Invitae), Labcorp
Classification: Likely pathogenic for Marfan syndrome; Familial thoracic aortic aneurysm and aortic dissection. Last evaluated: 2022-07-07. Review status: criteria provided, single submitter. Criteria: Invitae Variant Classification Sherloc (09022015). Collection method: clinical testing. Allele origin: germline.
Comment: This sequence change replaces aspartic acid, which is acidic and polar, with tyrosine, which is neutral and polar, at codon 1891 of the FBN1 protein (p.Asp1891Tyr). This variant also falls at the last nucleotide of exon 46, which is part of the consensus splice site for this exon. This variant is not present in population databases (gnomAD no frequency). In summary, the currently available evidence indicates that the variant is pathogenic, but additional data are needed to prove that conclusively. Therefore, this variant has been classified as Likely Pathogenic. This variant disrupts the p.Asp1891 amino acid residue in FBN1. Other variant(s) that disrupt this residue have been determined to be pathogenic (PMID: 20886638; Invitae). This suggests that this residue is clinically significant, and that variants that disrupt this residue are likely to be disease-causing. Variants that disrupt the consensus splice site are a relatively common cause of aberrant splicing (PMID: 17576681, 9536098). Algorithms developed to predict the effect of missense changes on protein structure and function are either unavailable or do not agree on the potential impact of this missense change (SIFT: "Deleterious"; PolyPhen-2: "Probably Damaging"; Align-GVGD: "Class C15"). This missense change has been observed in individual(s) with Marfan syndrome (Invitae).

Literature cited by the submitters: PubMed 20886638; PubMed 17576681; PubMed 9536098.